The following is an entry in ClinVar:

NM_006514.4(SCN10A):c.1492C>T (p.Arg498Trp)

Gene: SCN10A (sodium voltage-gated channel alpha subunit 10; minus strand). Cytogenetic location: 3p22.2.
Variant type: single nucleotide variant.
Coding change: c.1492C>T on transcript NM_006514.4 (MANE Select); coding-DNA position 1492, C replaced by T.
Protein change: p.Arg498Trp; replaces arginine 498 with tryptophan.
Molecular consequence: missense variant. On other transcripts: intron variant (1).
Genome position (GRCh38, 1-based): chr3:38,752,482, G>A on the plus strand (C>T on the coding strand, the complement: SCN10A is on the minus strand). VCF-style: chr3-38752482-G-A. GRCh37 (hg19) VCF-style: chr3-38793973-G-A.
Other names: c.1492C>T, p.Arg498Trp (NM_001293306.2); c.1462-2298C>T (NM_001293307.2); short protein forms R498W.
Identifiers: ClinVar variation 845838 (VCV000845838.7), dbSNP rs377467259, ClinGen allele CA2320834.
Genomic context (GRCh38, chr3:38,752,482, plus strand): 5'-CAGGGAGTGAGATATCTCGGCCAGGGGACCGGAAATGGAACACACTGCCATGACTAGCCC[G>A]GCGTTTTCCAGAGGCGAGGCCTAGAAAAGACTGGGCATTGCCCCAAAGGAGCAAGAAGGC-3'
Protein context (NP_006505.4, residues 488-508): SFLGLASGKR[Arg498Trp]ASHGSVFHFR

ClinVar aggregate classification (germline): Conflicting classifications of pathogenicity. Review status: criteria provided, conflicting classifications (1 of 4 stars). 2 submissions from 2 submitters: Uncertain significance (1); Likely benign (1). Last evaluated 2025-10-20.

Conditions:
Brugada syndrome. Also called: Sudden Unexplained Death Syndrome; Sudden Unexplained Nocturnal Death Syndrome (SUNDS); Sudden unexpected nocturnal death syndrome; Sudden unexplained nocturnal death syndrome. Identifiers: Orphanet 130, MedGen C1142166, MONDO:0015263.
Cardiovascular phenotype. Identifiers: MedGen CN230736.

Allele frequency attached by ClinVar (database versions not stated): TOPMed 0.00002; ExAC 0.00005; gnomAD 0.00005; gnomAD exomes 0.00005; ESP Exome Variant Server 0.00008.

Submissions (2):

Labcorp Genetics (formerly Invitae), Labcorp
Classification: Uncertain significance for Brugada syndrome. Last evaluated: 2025-10-20. Review status: criteria provided, single submitter. Criteria: Invitae Variant Classification Sherloc (09022015). Collection method: clinical testing. Allele origin: germline.
Comment: This sequence change replaces arginine, which is basic and polar, with tryptophan, which is neutral and slightly polar, at codon 498 of the SCN10A protein (p.Arg498Trp). This variant is present in population databases (rs377467259, gnomAD 0.01%). This variant has not been reported in the literature in individuals affected with SCN10A-related conditions. ClinVar contains an entry for this variant (Variation ID: 845838). Invitae Evidence Modeling of protein sequence and biophysical properties (such as structural, functional, and spatial information, amino acid conservation, physicochemical variation, residue mobility, and thermodynamic stability) indicates that this missense variant is expected to disrupt SCN10A protein function with a positive predictive value of 80%. In summary, the available evidence is currently insufficient to determine the role of this variant in disease. Therefore, it has been classified as a Variant of Uncertain Significance.

Ambry Genetics
Classification: Likely benign for Cardiovascular phenotype. Last evaluated: 2020-10-30. Review status: criteria provided, single submitter. Criteria: Ambry Variant Classification Scheme 2023. Collection method: clinical testing. Allele origin: germline.